The following is an entry in ClinVar:

ClinVar aggregate classification (germline): Benign. Review status: reviewed by expert panel (3 of 4 stars). 5 submissions from 5 submitters: Benign (1). 4 of the submissions do not count toward it. Last evaluated 2026-11-20.

Conditions:
Primary ciliary dyskinesia. Also called: Ciliary dyskinesia. Identifiers: Orphanet 244, MedGen C0008780, MONDO:0016575, HP:0012265.
RPGR-related retinopathy. Also called: RPGR retinopathy. Identifiers: MedGen CN305589, MONDO:0100437.
RPGR-related disorder. Also called: RPGR-related condition.

Allele frequency attached by ClinVar (database versions not stated): ExAC 0.00001; gnomAD 0.00002; gnomAD exomes 0.00005; TOPMed 0.00006.
gnomAD v4.1: 59 of 1,209,227 alleles (0.0049%); highest among the groups gnomAD compares: Admixed American, 0.0088%; no homozygotes.

Submissions (5):

ClinGen X-linked Inherited Retinal Disease Variant Curation Expert Panel, ClinGen
Classification: Benign for RPGR-related retinopathy. Last evaluated: 2026-11-20. Review status: reviewed by expert panel. Criteria: ClinGen X LinkedIRD ACMG Specifications RPGR V1.0.0. Collection method: curation. Allele origin: germline. Inheritance: X-linked inheritance.
Comment: The NM_001034853.2(RPGR):c.726G>A (p.Pro242=) variant is a synonymous variant at amino acid 242. This variant is present in gnomAD v.4.1.2 at a frequency of 0.00005292 among hemizygous individuals, with 21 variant alleles/396809 total hemizygous alleles, which is higher than the ClinGen X-linked IRD VCEP BA1 threshold of >0.00005 (BA1). The splicing impact predictor SpliceAI gives a delta score of 0.08, which is below the ClinGen X-linked IRD VCEP recommended threshold of <0.1 and does not strongly predict an impact on splicing (BP4). This silent variant NM_001034853.2(RPGR):c.726G>A causes a synonymous variant at codon 242 and does not have an impact on splicing sites according to Splice AI, which predicts a delta score of 0.08 for all splicing types, which is below the ClinGen X-linked IRD VCEP recommended threshold of <0.1 and does not strongly predict an impact on splicing (BP7). In summary, this variant is classified as Benign for RPGR-related retinopathy based on the ClinGen X-linked Inherited Retinal Disease Expert Panel Specifications to the ACMG/AMP Variant Interpretation Guidelines for RPGR, Version 1.0.0, using the following evidence codes: BA1, BP4, and BP7.

Labcorp Genetics (formerly Invitae), Labcorp
Classification: Likely benign for Primary ciliary dyskinesia. Last evaluated: 2025-11-04. Review status: criteria provided, single submitter. Criteria: Invitae Variant Classification Sherloc (09022015). Collection method: clinical testing. Allele origin: germline. Not counted in ClinVar's aggregate classification.

PreventionGenetics, part of Exact Sciences
Classification: Likely benign for RPGR-related condition. Last evaluated: 2025-08-14. Review status: criteria provided, single submitter. Criteria: ACMG Guidelines, 2015. Collection method: clinical testing. Allele origin: germline. Not counted in ClinVar's aggregate classification.
Comment: This variant is classified as likely benign based on ACMG/AMP sequence variant interpretation guidelines (Richards et al. 2015 PMID: 25741868, with internal and published modifications).

Ambry Genetics
Classification: Likely benign for Primary ciliary dyskinesia. Last evaluated: 2024-02-25. Review status: criteria provided, single submitter. Criteria: Ambry Variant Classification Scheme 2023. Collection method: clinical testing. Allele origin: germline. Not counted in ClinVar's aggregate classification.

Blueprint Genetics
Classification: Likely benign. Last evaluated: 2023-07-21. Review status: criteria provided, single submitter. Criteria: ACMG Guidelines, 2015. Collection method: clinical testing. Allele origin: germline. Not counted in ClinVar's aggregate classification.

NM_001034853.2(RPGR):c.726G>A (p.Pro242=)

Gene: RPGR (retinitis pigmentosa GTPase regulator; minus strand). Cytogenetic location: Xp11.4.
Variant type: single nucleotide variant.
Coding change: c.726G>A on transcript NM_001034853.2 (MANE Select); coding-DNA position 726, G replaced by A.
Protein change: p.Pro242=; no amino-acid change (proline 242 retained).
Molecular consequence: synonymous variant. On other transcripts: non-coding transcript variant (6).
Genome position (GRCh38, 1-based): chrX:38,310,667, C>T on the plus strand (G>A on the coding strand, the complement: RPGR is on the minus strand). VCF-style: chrX-38310667-C-T. GRCh37 (hg19) VCF-style: chrX-38169920-C-T.
Other names: NM_001034853.2(RPGR):c.726G>A; p.Pro242=; c.726G>A, p.Pro242= (NM_000328.3, NM_001367246.1, NM_001367247.1 and 1 more transcripts); c.723G>A, p.Pro241= (NM_001367245.1, NM_001367249.1, NM_001367250.1); c.756G>A, p.Pro252= (NM_001367248.1); c.726G>A (NM_001034853.1, NM_000328.2).
Identifiers: ClinVar variation 2176506 (VCV002176506.8), dbSNP rs768381214, ClinGen allele CA10385601.
Genomic context (GRCh38, chrX:38,310,667, plus strand): 5'-ACACATACCCGTGAGAACCACAGTATGCTCTCCACCACAGGCTACTTGGATCACCTTCTC[C>T]GGAATTTCAGACACCAGCTGGGGTGTTCTGTGATTGCCCAGGAGCTGATTGGGAAGACCT-3'
Protein context (NP_001030025.1, residues 232-252): HRTPQLVSEI[Pro242=]EKVIQVACGG